The following is an entry in ClinVar:

NM_001367721.1(CASK):c.-2C>T

Gene: CASK (calcium/calmodulin dependent serine protein kinase; minus strand). Cytogenetic location: Xp11.4.
Variant type: single nucleotide variant.
Coding change: c.-2C>T on transcript NM_001367721.1 (MANE Select); 2 bases upstream of the start codon, C replaced by T.
Molecular consequence: 5 prime UTR variant.
Genome position (GRCh38, 1-based): chrX:41,922,990, G>A on the plus strand (C>T on the coding strand, the complement: CASK is on the minus strand). VCF-style: chrX-41922990-G-A. GRCh37 (hg19) VCF-style: chrX-41782243-G-A.
Other names: c.-2C>T (NM_001126054.3, NM_001126055.3, NM_001410745.1 and 1 more transcripts).
Identifiers: ClinVar variation 3903006 (VCV003903006.1).

ClinVar aggregate classification (germline): Uncertain significance (1 of 4 stars; one submission).

Submission:

GeneDx
Classification: Uncertain significance. Last evaluated: 2024-12-11. Review status: criteria provided, single submitter. Criteria: GeneDx Variant Classification Process June 2021. Collection method: clinical testing. Allele origin: germline. Affected: yes.
Comment: Not observed at significant frequency in large population cohorts (gnomAD); Alters the Kozak sequence, which plays a major role in the initiation of translation; Has not been previously published as pathogenic or benign to our knowledge